The following is an entry in ClinVar:

ClinVar aggregate classification (germline): Uncertain significance (1 of 4 stars; one submission).

Conditions:
Inborn genetic diseases. Identifiers: MedGen C0950123, MeSH D030342.

Submission:

Ambry Genetics
Classification: Uncertain significance for Inborn genetic diseases. Last evaluated: 2025-08-08. Review status: criteria provided, single submitter. Criteria: Ambry Variant Classification Scheme 2023. Collection method: clinical testing. Allele origin: germline.
Comment: The p.S193F variant (also known as c.578C>T), located in coding exon 5 of the ETV6 gene, results from a C to T substitution at nucleotide position 578. The serine at codon 193 is replaced by phenylalanine, an amino acid with highly dissimilar properties. This amino acid position is conserved. In addition, this alteration is predicted to be tolerated by in silico analysis. Based on the available evidence, the clinical significance of this variant remains unclear.

NM_001987.5(ETV6):c.578C>T (p.Ser193Phe)

Gene: ETV6 (ETS variant transcription factor 6; plus strand). Cytogenetic location: 12p13.2.
Variant type: single nucleotide variant.
Coding change: c.578C>T on transcript NM_001987.5 (MANE Select); coding-DNA position 578, C replaced by T.
Protein change: p.Ser193Phe; replaces serine 193 with phenylalanine.
Molecular consequence: missense variant.
Genome position (GRCh38, 1-based): chr12:11,869,538, C>T. VCF-style: chr12-11869538-C-T. GRCh37 (hg19) VCF-style: chr12-12022472-C-T.
Other names: c.575C>T, p.Ser192Phe (NM_001413913.1); c.551C>T, p.Ser184Phe (NM_001413914.1); c.314C>T, p.Ser105Phe (NM_001413915.1); c.578C>T, p.Ser193Phe (NM_001413916.1, NM_001413917.1); short protein forms S184F, S193F, S105F, S192F.
Identifiers: ClinVar variation 4251473 (VCV004251473.1).